The following is an entry in ClinVar:

NM_030665.4(RAI1):c.731C>A (p.Ala244Asp)

Gene: RAI1 (retinoic acid induced 1; plus strand). Cytogenetic location: 17p11.2.
Variant type: single nucleotide variant.
Coding change: c.731C>A on transcript NM_030665.4 (MANE Select); coding-DNA position 731, C replaced by A.
Protein change: p.Ala244Asp; replaces alanine 244 with aspartic acid.
Molecular consequence: missense variant.
Genome position (GRCh38, 1-based): chr17:17,793,679, C>A. VCF-style: chr17-17793679-C-A. GRCh37 (hg19) VCF-style: chr17-17696993-C-A.
Other names: short protein forms A244D.
Identifiers: ClinVar variation 2763898 (VCV002763898.3), dbSNP rs2508570789, ClinGen allele CA398546090.

ClinVar aggregate classification (germline): Uncertain significance (1 of 4 stars; one submission).

Submission:

Labcorp Genetics (formerly Invitae), Labcorp
Classification: Uncertain significance. Last evaluated: 2023-09-27. Review status: criteria provided, single submitter. Criteria: Invitae Variant Classification Sherloc (09022015). Collection method: clinical testing. Allele origin: germline.
Comment: This sequence change replaces alanine, which is neutral and non-polar, with aspartic acid, which is acidic and polar, at codon 244 of the RAI1 protein (p.Ala244Asp). This variant is not present in population databases (gnomAD no frequency). This variant has not been reported in the literature in individuals affected with RAI1-related conditions. Advanced modeling of protein sequence and biophysical properties (such as structural, functional, and spatial information, amino acid conservation, physicochemical variation, residue mobility, and thermodynamic stability) has been performed at Invitae for this missense variant, however the output from this modeling did not meet the statistical confidence thresholds required to predict the impact of this variant on RAI1 protein function. In summary, the available evidence is currently insufficient to determine the role of this variant in disease. Therefore, it has been classified as a Variant of Uncertain Significance.